The following is an entry in ClinVar:

NM_001122752.2(SERPINI1):c.144C>A (p.Phe48Leu)

Gene: SERPINI1 (serpin family I member 1; plus strand). Cytogenetic location: 3q26.1.
Variant type: single nucleotide variant.
Coding change: c.144C>A on transcript NM_001122752.2 (MANE Select); coding-DNA position 144, C replaced by A.
Protein change: p.Phe48Leu; replaces phenylalanine 48 with leucine.
Molecular consequence: missense variant.
Genome position (GRCh38, 1-based): chr3:167,789,272, C>A. VCF-style: chr3-167789272-C-A. GRCh37 (hg19) VCF-style: chr3-167507060-C-A.
Other names: c.144C>A, p.Phe48Leu (NM_005025.5); short protein forms F48L.
Identifiers: ClinVar variation 1059850 (VCV001059850.9), dbSNP rs776746623, ClinGen allele CA2694737.

ClinVar aggregate classification (germline): Uncertain significance (1 of 4 stars; one submission).

Conditions:
Familial encephalopathy with neuroserpin inclusion bodies. Also called: ENCEPHALOPATHY, FAMILIAL, WITH COLLINS BODIES. Identifiers: Orphanet 85110, MedGen C1858680, MONDO:0011412, OMIM 604218.

Allele frequency attached by ClinVar (database versions not stated): ExAC 0.00001; gnomAD 0.00001; gnomAD exomes 0.00001.
gnomAD v4.1: 4 of 1,614,036 alleles (0.00025%); highest among the groups gnomAD compares: Non-Finnish European, 0.00025%; no homozygotes.

Submission:

Labcorp Genetics (formerly Invitae), Labcorp
Classification: Uncertain significance for Familial encephalopathy with neuroserpin inclusion bodies. Last evaluated: 2022-08-08. Review status: criteria provided, single submitter. Criteria: Invitae Variant Classification Sherloc (09022015). Collection method: clinical testing. Allele origin: germline.
Comment: Advanced modeling of protein sequence and biophysical properties (such as structural, functional, and spatial information, amino acid conservation, physicochemical variation, residue mobility, and thermodynamic stability) performed at Invitae indicates that this missense variant is not expected to disrupt SERPINI1 protein function. In summary, the available evidence is currently insufficient to determine the role of this variant in disease. Therefore, it has been classified as a Variant of Uncertain Significance. ClinVar contains an entry for this variant (Variation ID: 1059850). This variant has not been reported in the literature in individuals affected with SERPINI1-related conditions. This variant is present in population databases (rs776746623, gnomAD 0.002%). This sequence change replaces phenylalanine, which is neutral and non-polar, with leucine, which is neutral and non-polar, at codon 48 of the SERPINI1 protein (p.Phe48Leu).